The following is an entry in ClinVar:

NM_000051.4(ATM):c.7657C>A (p.Pro2553Thr)

Genes: ATM (ATM serine/threonine kinase; plus strand), C11orf65 (chromosome 11 open reading frame 65; minus strand). Cytogenetic location: 11q22.3.
Variant type: single nucleotide variant.
Coding change: c.7657C>A on transcript NM_000051.4 (MANE Select); coding-DNA position 7657, C replaced by A.
Protein change: p.Pro2553Thr; replaces proline 2553 with threonine.
Molecular consequence: missense variant. On other transcripts: intron variant (2).
Genome position (GRCh38, 1-based): chr11:108,331,906, C>A. VCF-style: chr11-108331906-C-A. GRCh37 (hg19) VCF-style: chr11-108202633-C-A.
Other names: c.7657C>A, p.Pro2553Thr (NM_001351834.2); c.641-22835G>T (NM_001330368.2); c.*38+3314G>T (NM_001351110.2); short protein forms P2553T.
Identifiers: ClinVar variation 482535 (VCV000482535.10), dbSNP rs1555124475, ClinGen allele CA382560945.

ClinVar aggregate classification (germline): Uncertain significance. Review status: criteria provided, multiple submitters, no conflicts (2 of 4 stars). 2 submissions from 2 submitters: Uncertain significance (2). Last evaluated 2024-04-17.

Conditions:
Hereditary cancer-predisposing syndrome. Also called: Neoplastic Syndromes, Hereditary; Hereditary Cancer Syndrome; Tumor predisposition; Hereditary neoplastic syndrome. Identifiers: Orphanet 140162, MedGen C0027672, MeSH D009386, MONDO:0015356.
Ataxia-telangiectasia syndrome (AT). Also called: LOUIS-BAR SYNDROME; Cerebello-oculocutaneous telangiectasia; Immunodeficiency with ataxia telangiectasia; Ataxia-telangiectasia, complementation group D; AT, COMPLEMENTATION GROUP C; Ataxia-telangiectasia, complementation group E. Identifiers: Orphanet 100, MedGen C0004135, MONDO:0008840, OMIM 208900.

Allele frequency attached by ClinVar (database versions not stated): gnomAD exomes below 0.00001.
gnomAD v4.1: 1 of 1,613,732 alleles (0.000062%); highest among the groups gnomAD compares: Non-Finnish European, 0.000085%; no homozygotes.

Submissions (2):

Ambry Genetics
Classification: Uncertain significance for Hereditary cancer-predisposing syndrome. Last evaluated: 2024-04-17. Review status: criteria provided, single submitter. Criteria: Ambry Variant Classification Scheme 2023. Collection method: clinical testing. Allele origin: germline.
Comment: The p.P2553T variant (also known as c.7657C>A), located in coding exon 51 of the ATM gene, results from a C to A substitution at nucleotide position 7657. The proline at codon 2553 is replaced by threonine, an amino acid with highly similar properties. This amino acid position is highly conserved in available vertebrate species. In addition, this alteration is predicted to be deleterious by in silico analysis. Since supporting evidence is limited at this time, the clinical significance of this alteration remains unclear.

Labcorp Genetics (formerly Invitae), Labcorp
Classification: Uncertain significance for Ataxia-telangiectasia syndrome. Last evaluated: 2021-08-27. Review status: criteria provided, single submitter. Criteria: Invitae Variant Classification Sherloc (09022015). Collection method: clinical testing. Allele origin: germline.
Comment: This sequence change replaces proline with threonine at codon 2553 of the ATM protein (p.Pro2553Thr). The proline residue is highly conserved and there is a small physicochemical difference between proline and threonine. This variant is not present in population databases (ExAC no frequency). This variant has not been reported in the literature in individuals affected with ATM-related conditions. ClinVar contains an entry for this variant (Variation ID: 482535). Algorithms developed to predict the effect of missense changes on protein structure and function (SIFT, PolyPhen-2, Align-GVGD) all suggest that this variant is likely to be disruptive. In summary, the available evidence is currently insufficient to determine the role of this variant in disease. Therefore, it has been classified as a Variant of Uncertain Significance.